The following is an entry in ClinVar:

ClinVar aggregate classification (germline): Uncertain significance (1 of 4 stars; one submission).

Submission:

GeneDx
Classification: Uncertain significance. Last evaluated: 2020-01-19. Review status: criteria provided, single submitter. Criteria: GeneDx Variant Classification Process June 2021. Collection method: clinical testing. Allele origin: germline. Affected: yes.
Comment: Not observed in large population cohorts (Lek et al., 2016); Frameshift variant predicted to result in protein truncation or nonsense mediated decay in a gene for which loss-of-function is not a known mechanism of disease; Has not been previously published as pathogenic or benign to our knowledge; Variants in candidate genes are classified as variants of uncertain significance in accordance with ACMG guidelines (Richards et al., 2015)

NM_006186.4(NR4A2):c.1167del (p.Asn390fs)

Gene: NR4A2 (nuclear receptor subfamily 4 group A member 2; minus strand). Cytogenetic location: 2q24.1.
Variant type: Deletion.
Coding change: c.1167del on transcript NM_006186.4 (MANE Select); coding-DNA position 1167, one base deleted (G; older notation c.1167delG).
Protein change: p.Asn390fs; shifts the reading frame from asparagine 390.
Molecular consequence: frameshift variant.
Genome position (GRCh38, 1-based): chr2:156,326,912, C deleted on the plus strand (G on the coding strand, the reverse complement: NR4A2 is on the minus strand). VCF-style (leftmost placement, unchanged base first): chr2-156326911-TC-T. GRCh37 (hg19) VCF-style: chr2-157183423-TC-T.
Other names: c.978del, p.Asn327fs (NM_173173.3); short protein forms N327fs, N390fs.
Identifiers: ClinVar variation 1311476 (VCV001311476.2), dbSNP rs2105596512, ClinGen allele CA2573051681.